The following is an entry in ClinVar:

ClinVar aggregate classification (germline): Uncertain significance (1 of 4 stars; one submission).

gnomAD v4.1: 14 of 1,612,310 alleles (0.00087%); highest among the groups gnomAD compares: Admixed American, 0.005%; no homozygotes.

Submission:

Labcorp Genetics (formerly Invitae), Labcorp
Classification: Uncertain significance. Last evaluated: 2024-05-28. Review status: criteria provided, single submitter. Criteria: Invitae Variant Classification Sherloc (09022015). Collection method: clinical testing. Allele origin: germline.
Comment: This sequence change replaces arginine, which is basic and polar, with cysteine, which is neutral and slightly polar, at codon 82 of the CRAT protein (p.Arg82Cys). This variant is present in population databases (rs751822013, gnomAD 0.009%). This variant has not been reported in the literature in individuals affected with CRAT-related conditions. Advanced modeling of protein sequence and biophysical properties (such as structural, functional, and spatial information, amino acid conservation, physicochemical variation, residue mobility, and thermodynamic stability) has been performed at Invitae for this missense variant, however the output from this modeling did not meet the statistical confidence thresholds required to predict the impact of this variant on CRAT protein function. In summary, the available evidence is currently insufficient to determine the role of this variant in disease. Therefore, it has been classified as a Variant of Uncertain Significance.

NM_000755.5(CRAT):c.244C>T (p.Arg82Cys)

Gene: CRAT (carnitine O-acetyltransferase; minus strand). Cytogenetic location: 9q34.11.
Variant type: single nucleotide variant.
Coding change: c.244C>T on transcript NM_000755.5 (MANE Select); coding-DNA position 244, C replaced by T.
Protein change: p.Arg82Cys; replaces arginine 82 with cysteine.
Molecular consequence: missense variant. On other transcripts: intron variant (1).
Genome position (GRCh38, 1-based): chr9:129,107,861, G>A on the plus strand (C>T on the coding strand, the complement: CRAT is on the minus strand). VCF-style: chr9-129107861-G-A. GRCh37 (hg19) VCF-style: chr9-131870140-G-A.
Other names: c.181C>T, p.Arg61Cys (NM_001257363.3, NM_001346548.2, NM_004003.4); c.247C>T, p.Arg83Cys (NM_001346546.2); c.244C>T, p.Arg82Cys (NM_001346547.2); c.171+73C>T (NM_001346549.2); short protein forms R83C, R61C, R82C.
Identifiers: ClinVar variation 3713978 (VCV003713978.2).